The following is an entry in ClinVar:

NM_024928.5(STN1):c.719A>G (p.Asn240Ser)

Gene: STN1 (STN1 subunit of CST complex; minus strand). Cytogenetic location: 10q24.33.
Variant type: single nucleotide variant.
Coding change: c.719A>G on transcript NM_024928.5 (MANE Select); coding-DNA position 719, A replaced by G.
Protein change: p.Asn240Ser; replaces asparagine 240 with serine.
Molecular consequence: missense variant.
Genome position (GRCh38, 1-based): chr10:103,897,582, T>C on the plus strand (A>G on the coding strand, the complement: STN1 is on the minus strand). VCF-style: chr10-103897582-T-C. GRCh37 (hg19) VCF-style: chr10-105657340-T-C.
Other names: p.Asn240Ser; c.719A>G (NM_024928.4); short protein forms N240S.
Identifiers: ClinVar variation 1979102 (VCV001979102.3), dbSNP rs747002144, ClinGen allele CA5676535.
Genomic context (GRCh38, chr10:103,897,582, plus strand): 5'-TTCTCACATGGGCATGCTGCACTCACTTGGTCGGAGGAGGCACTGTGAATCACAGGCTGA[T>C]TGGCAAGGGACAGCAAAGACTCCACCATTTCCAGCTCCTGCTGGTAAAAGCTCTGCACTC-3'
Protein context (NP_079204.2, residues 230-250): EMVESLLSLA[Asn240Ser]QPVIHSASSD

ClinVar aggregate classification (germline): Uncertain significance. Review status: criteria provided, multiple submitters, no conflicts (2 of 4 stars). 3 submissions from 3 submitters: Uncertain significance (3). Last evaluated 2025-12-05.

Conditions:
STN1-related disorder. Also called: STN1-related condition.

Allele frequency attached by ClinVar (database versions not stated): ExAC 0.00002; gnomAD 0.00003; gnomAD exomes 0.00004; TOPMed 0.00004.

Submissions (3):

PreventionGenetics, part of Exact Sciences
Classification: Uncertain significance for STN1-related condition. Last evaluated: 2025-12-05. Review status: criteria provided, single submitter. Criteria: ACMG Guidelines, 2015. Collection method: clinical testing. Allele origin: germline.
Comment: The STN1 c.719A>G variant is predicted to result in the amino acid substitution p.Asn240Ser. This variant was reported in an individual with TACI deficiency (Rolles et al. 2023. PubMed ID: 37944684). This variant is reported in 0.0078% of alleles in individuals of European (Non-Finnish) descent in gnomAD and is classified as uncertain in ClinVar (Variation ID: 1979102). At this time, the clinical significance of this variant is uncertain due to the absence of conclusive functional and genetic evidence.

Mayo Clinic Laboratories, Mayo Clinic
Classification: Uncertain significance. Last evaluated: 2025-07-23. Review status: criteria provided, single submitter. Criteria: ACMG Guidelines, 2015. Collection method: clinical testing. Allele origin: germline. Observed: 1 variant allele.
Comment: BP4_strong

Labcorp Genetics (formerly Invitae), Labcorp
Classification: Uncertain significance. Last evaluated: 2022-05-28. Review status: criteria provided, single submitter. Criteria: Invitae Variant Classification Sherloc (09022015). Collection method: clinical testing. Allele origin: germline.
Comment: This sequence change replaces asparagine, which is neutral and polar, with serine, which is neutral and polar, at codon 240 of the STN1 protein (p.Asn240Ser). This variant is present in population databases (rs747002144, gnomAD 0.008%). This variant has not been reported in the literature in individuals affected with STN1-related conditions. Algorithms developed to predict the effect of missense changes on protein structure and function output the following: SIFT: "Tolerated"; PolyPhen-2: "Benign"; Align-GVGD: "Class C0". The serine amino acid residue is found in multiple mammalian species, which suggests that this missense change does not adversely affect protein function. Algorithms developed to predict the effect of sequence changes on RNA splicing suggest that this variant may create or strengthen a splice site. In summary, the available evidence is currently insufficient to determine the role of this variant in disease. Therefore, it has been classified as a Variant of Uncertain Significance.

Literature cited by the submitters: PubMed 37944684 (cited by Mayo Clinic Laboratories, Mayo Clinic).